The following is an entry in ClinVar:

ClinVar aggregate classification (germline): Pathogenic/Likely pathogenic. Review status: criteria provided, multiple submitters, no conflicts (2 of 4 stars). 8 submissions from 8 submitters: Pathogenic (6); Likely pathogenic (1). 1 of the submissions does not count toward it. Last evaluated 2025-08-10.

Conditions:
ASL-related disorder. Also called: ASL-related condition.
Argininosuccinate lyase deficiency. Also called: ASL DEFICIENCY; ARGININOSUCCINIC ACID LYASE DEFICIENCY; Argininosuccinic aciduria. Identifiers: Orphanet 23, MedGen C0268547, MONDO:0008815, OMIM 207900, HP:0025630.

Allele frequency attached by ClinVar (database versions not stated): gnomAD 0.00001; gnomAD exomes 0.00002; TOPMed 0.00003.
gnomAD v4.1: 33 of 1,572,724 alleles (0.0021%); highest among the groups gnomAD compares: Non-Finnish European, 0.0028%; no homozygotes.

Submissions (8):

Labcorp Genetics (formerly Invitae), Labcorp
Classification: Pathogenic for Argininosuccinate lyase deficiency. Last evaluated: 2025-08-10. Review status: criteria provided, single submitter. Criteria: Invitae Variant Classification Sherloc (09022015). Collection method: clinical testing. Allele origin: germline.
Comment: This sequence change affects a donor splice site in intron 8 of the ASL gene. It is expected to disrupt RNA splicing. Variants that disrupt the donor or acceptor splice site typically lead to a loss of protein function (PMID: 16199547), and loss-of-function variants in ASL are known to be pathogenic (PMID: 2263616, 24166829). This variant is not present in population databases (gnomAD no frequency). Disruption of this splice site has been observed in individual(s) with argininosuccinate lyase deficiency (PMID: 24166829; internal data). ClinVar contains an entry for this variant (Variation ID: 92365). Algorithms developed to predict the effect of sequence changes on RNA splicing suggest that this variant may disrupt the consensus splice site. For these reasons, this variant has been classified as Pathogenic.

Natera, Inc.
Classification: Likely pathogenic for Argininosuccinate lyase deficiency. Last evaluated: 2025-05-08. Review status: criteria provided, single submitter. Criteria: Natera Variant Classification Schema (03/2026). Collection method: clinical testing. Allele origin: germline.
Comment: The c.602+1G>A variant in ASL is a canonical splice donor site variant predicted to affect pre-mRNA splicing, which may result in an abnormal transcript and altered protein product. This variant is expected to result in nonsense mediated decay, truncation, or a dysfunctional protein product. This variant is rare in the general population with a frequency below the threshold expected for the associated phenotype(s). This variant has been observed in one or more individuals affected with the associated recessive disease, as either homozygous or compound heterozygous with a second variant (PMID: 24166829). Given the available evidence, this variant is classified as Likely Pathogenic.

Revvity Omics, Revvity
Classification: Pathogenic for Argininosuccinate lyase deficiency. Last evaluated: 2025-03-05. Review status: criteria provided, single submitter. Criteria: ACMG Guidelines, 2015. Collection method: clinical testing. Allele origin: germline.

PreventionGenetics, part of Exact Sciences
Classification: Pathogenic for ASL-related condition. Last evaluated: 2025-01-03. Review status: criteria provided, single submitter. Criteria: ACMG Guidelines, 2015. Collection method: clinical testing. Allele origin: germline.
Comment: The ASL c.602+1G>A variant is predicted to disrupt the GT donor site and interfere with normal splicing. This variant was reported in an individual with argininosuccinate lyase deficiency (Table S2, Balmer et al. 2014. PubMed ID: 24166829). To our knowledge, this variant has not been reported in a large population database (gnomAD), indicating this variant is rare. Variants that disrupt the consensus splice donor site in ASL are expected to be pathogenic. This variant is interpreted as pathogenic.

Fulgent Genetics
Classification: Pathogenic for Argininosuccinate lyase deficiency. Last evaluated: 2024-03-26. Review status: criteria provided, single submitter. Criteria: ACMG Guidelines, 2015. Collection method: clinical testing. Allele origin: germline.

Baylor Genetics
Classification: Pathogenic for Argininosuccinate lyase deficiency. Last evaluated: 2024-03-15. Review status: criteria provided, single submitter. Criteria: ACMG Guidelines, 2015. Collection method: clinical testing. Allele origin: unknown.

Eurofins Ntd Llc (ga)
Classification: Pathogenic. Last evaluated: 2013-11-14. Review status: criteria provided, single submitter. Criteria: EGL Classification Definitions 2015. Collection method: clinical testing. Allele origin: germline. Observed: 4 variant alleles, 4 heterozygotes.

Counsyl
Classification: Likely pathogenic for Argininosuccinate lyase deficiency. Last evaluated: 2018-02-15. Review status: no assertion criteria provided. Collection method: clinical testing. Allele origin: unknown. Not counted in ClinVar's aggregate classification.

Literature cited by the submitters: PubMed 16199547 (cited by Labcorp Genetics (formerly Invitae), Labcorp); PubMed 2263616 (cited by Labcorp Genetics (formerly Invitae), Labcorp); PubMed 24166829 (cited by 3 submitters).

NM_000048.4(ASL):c.602+1G>A

Gene: ASL (argininosuccinate lyase; plus strand). Cytogenetic location: 7q11.21.
Variant type: single nucleotide variant.
Coding change: c.602+1G>A on transcript NM_000048.4 (MANE Select); the canonical splice donor site of the intron after coding-DNA position 602, G replaced by A.
Molecular consequence: splice donor variant. On other transcripts: intron variant (1).
Genome position (GRCh38, 1-based): chr7:66,086,822, G>A. VCF-style: chr7-66086822-G-A. GRCh37 (hg19) VCF-style: chr7-65551809-G-A.
Other names: c.602+1G>A (NM_001024943.2, NM_001024944.2); c.524+160G>A (NM_001024946.2).
Identifiers: ClinVar variation 92365 (VCV000092365.20), dbSNP rs398123127, ClinGen allele CA220293.